The following is an entry in ClinVar:

ClinVar aggregate classification (germline): Likely benign (1 of 4 stars; one submission).

Allele frequency attached by ClinVar (database versions not stated): TOPMed 0.00002; 1000 Genomes Project 30x 0.00031.
gnomAD v4.1: 51 of 1,601,108 alleles (0.0032%); highest among the groups gnomAD compares: South Asian, 0.042%; 1 homozygote.

Submission:

CeGaT Center for Human Genetics Tuebingen
Classification: Likely benign. Last evaluated: 2022-07-01. Review status: criteria provided, single submitter. Criteria: CeGaT Center For Human Genetics Tuebingen Variant Classification Criteria Version 2. Collection method: clinical testing. Allele origin: germline. Affected: yes. Observed: 1 variant allele.
Comment: MINK1: BP4, BP7

NM_153827.5(MINK1):c.3852C>T (p.Leu1284=)

Gene: MINK1 (misshapen like kinase 1; plus strand). Cytogenetic location: 17p13.2.
Variant type: single nucleotide variant.
Coding change: c.3852C>T on transcript NM_153827.5 (MANE Select); coding-DNA position 3852, C replaced by T.
Protein change: p.Leu1284=; no amino-acid change (leucine 1284 retained).
Molecular consequence: synonymous variant.
Genome position (GRCh38, 1-based): chr17:4,896,750, C>T. VCF-style: chr17-4896750-C-T. GRCh37 (hg19) VCF-style: chr17-4800045-C-T.
Other names: c.3792C>T, p.Leu1264= (NM_001024937.4); c.3576C>T, p.Leu1192= (NM_001321236.2); c.3741C>T, p.Leu1247= (NM_015716.5); c.3765C>T, p.Leu1255= (NM_170663.5).
Identifiers: ClinVar variation 2647276 (VCV002647276.24), dbSNP rs772442734, ClinGen allele CA8313668.